The following is an entry in ClinVar:

ClinVar aggregate classification (germline): Uncertain significance (1 of 4 stars; one submission).

Conditions:
Inborn genetic diseases. Identifiers: MedGen C0950123, MeSH D030342.

Submission:

Ambry Genetics
Classification: Uncertain significance for Inborn genetic diseases. Last evaluated: 2024-12-22. Review status: criteria provided, single submitter. Criteria: Ambry Variant Classification Scheme 2023. Collection method: clinical testing. Allele origin: germline.
Comment: The p.L1436P variant (also known as c.4307T>C), located in coding exon 43 of the FANCA gene, results from a T to C substitution at nucleotide position 4307. The leucine at codon 1436 is replaced by proline, an amino acid with similar properties. This amino acid position is conserved. In addition, this alteration is predicted to be deleterious by in silico analysis. Based on the available evidence, the clinical significance of this variant remains unclear.

NM_000135.4(FANCA):c.4307T>C (p.Leu1436Pro)

Genes: FANCA (FA complementation group A; minus strand), ZNF276 (zinc finger protein 276; plus strand). Cytogenetic location: 16q24.3.
Variant type: single nucleotide variant.
Coding change: c.4307T>C on transcript NM_000135.4 (MANE Select); coding-DNA position 4307, T replaced by C.
Protein change: p.Leu1436Pro; replaces leucine 1436 with proline.
Molecular consequence: missense variant. On other transcripts: 3 prime UTR variant (3), non-coding transcript variant (4).
Genome position (GRCh38, 1-based): chr16:89,738,662, A>G on the plus strand (T>C on the coding strand, the complement: FANCA is on the minus strand). VCF-style: chr16-89738662-A-G. GRCh37 (hg19) VCF-style: chr16-89805070-A-G.
Other names: c.*36T>C (NM_001286167.3); c.*416A>G (NM_001113525.2, NM_152287.4); short protein forms L1436P.
Identifiers: ClinVar variation 3848052 (VCV003848052.1).
Genomic context (GRCh38, chr16:89,738,662, plus strand): 5'-CAGAAGAGATGAGGCTCCTGGGACAGGTCAGCGTCAGGGGCAGCCTGCTGTCTGCTCTGG[A>G]GGGCGGCGCTCACCTCTGGGTCGCAGTCCCCACGATCAGCCAGCAGCTGTGAGAGAGGAG-3'
Protein context (NP_000126.2, residues 1426-1446): GDCDPEVSAA[Leu1436Pro]QSRQQAAPDA